The following is an entry in ClinVar:

NM_001943.5(DSG2):c.2611T>C (p.Cys871Arg)

Genes: DSG2 (desmoglein 2; plus strand), DSG2-AS1 (DSG2 antisense RNA 1; minus strand). Cytogenetic location: 18q12.1.
Variant type: single nucleotide variant.
Coding change: c.2611T>C on transcript NM_001943.5 (MANE Select); coding-DNA position 2611, T replaced by C.
Protein change: p.Cys871Arg; replaces cysteine 871 with arginine.
Molecular consequence: missense variant.
Genome position (GRCh38, 1-based): chr18:31,545,997, T>C. VCF-style: chr18-31545997-T-C. GRCh37 (hg19) VCF-style: chr18-29125960-T-C.
Other names: short protein forms C871R.
Identifiers: ClinVar variation 3386605 (VCV003386605.1).

ClinVar aggregate classification (germline): Uncertain significance (1 of 4 stars; one submission).

Conditions:
Arrhythmogenic right ventricular cardiomyopathy (ARVD). Also called: Arrhythmogenic right ventricular dysplasia; Cardiomyopathy, ARVC; Arrhythmogenic cardiomyopathy; Arrhythmogenic Right Ventricular Cardiomyopathy (ARVC). Identifiers: Orphanet 247, MedGen C0349788, MeSH D019571, MONDO:0016587. Disease mechanism: loss of function. Inheritance: Various modes of inheritance.

Submission:

All of Us Research Program, National Institutes of Health
Classification: Uncertain significance for Arrhythmogenic right ventricular cardiomyopathy. Last evaluated: 2024-04-16. Review status: criteria provided, single submitter. Criteria: ACMG Guidelines, 2015. Collection method: clinical testing. Allele origin: germline. Inheritance: Autosomal dominant inheritance. Observed: 1 variant allele, 1 heterozygote.
Comment: This missense variant replaces cysteine with arginine at codon 871 of the DSG2 protein. Computational prediction suggests that this variant may not impact protein structure and function (internally defined REVEL score threshold <= 0.5, PMID: 27666373). To our knowledge, functional studies have not been reported for this variant. This variant has not been reported in individuals affected with DSG2-related disorders in the literature. This variant has not been identified in the general population by the Genome Aggregation Database (gnomAD). The available evidence is insufficient to determine the role of this variant in disease conclusively. Therefore, this variant is classified as a Variant of Uncertain Significance.

This study involves interpretation of variants in research participants for the purpose of population health screening. Participant phenotype was not available at the time of variant classification. Additional details can be found in publication PMID: 35346344, PMCID: PMC8962531